The following is an entry in ClinVar:

NM_080916.3(DGUOK):c.54_57dup (p.Lys20fs)

Genes: DGUOK (deoxyguanosine kinase; plus strand), LOC129934096 (ATAC-STARR-seq lymphoblastoid active region 16036; plus strand). Cytogenetic location: 2p13.1.
Variant type: Duplication.
Coding change: c.54_57dup on transcript NM_080916.3 (MANE Select); coding-DNA positions 54 to 57, 4 bases duplicated (GGCC; older notation c.54_57dupGGCC).
Protein change: p.Lys20fs; shifts the reading frame from lysine 20.
Molecular consequence: frameshift variant. On other transcripts: 5 prime UTR variant (4), non-coding transcript variant (6).
Genome position (GRCh38, 1-based): chr2:73,926,964-73,926,967, GGCC duplicated. VCF-style (leftmost placement, unchanged base first): chr2-73926963-T-TGGCC. GRCh37 (hg19) VCF-style: chr2-74154090-T-TGGCC.
Other names: c.54_57dup, p.Lys20fs (NM_001318859.2, NM_080918.3); c.-125_-122dup (NM_001318860.2, NM_001318863.2); c.-211_-208dup (NM_001318861.2, NM_001318862.2); short protein forms K20fs.
Identifiers: ClinVar variation 2706426 (VCV002706426.3), dbSNP rs2466941297, ClinGen allele CA2697548316.

ClinVar aggregate classification (germline): Pathogenic (1 of 4 stars; one submission).

Submission:

Labcorp Genetics (formerly Invitae), Labcorp
Classification: Pathogenic. Last evaluated: 2023-12-30. Review status: criteria provided, single submitter. Criteria: Invitae Variant Classification Sherloc (09022015). Collection method: clinical testing. Allele origin: germline.
Comment: This sequence change creates a premature translational stop signal (p.Lys20Glyfs*110) in the DGUOK gene. It is expected to result in an absent or disrupted protein product. Loss-of-function variants in DGUOK are known to be pathogenic (PMID: 18205204). This variant is not present in population databases (gnomAD no frequency). This variant has not been reported in the literature in individuals affected with DGUOK-related conditions. For these reasons, this variant has been classified as Pathogenic.

Literature cited by the submitters: PubMed 18205204.